The following continues an entry in ClinVar:

NM_002524.5(NRAS):c.34G>A (p.Gly12Ser)

Gene: NRAS. ClinVar aggregate classification (germline): Pathogenic. Pathogenic (1). ClinVar aggregate classification (oncogenicity): Oncogenic.

Submissions 10 to 14 of 14:

Victorian Clinical Genetics Services, Murdoch Childrens Research Institute
Classification: Pathogenic for Noonan syndrome 6. Last evaluated: 2022-06-24. Review status: criteria provided, single submitter. Criteria: ACMG Guidelines, 2015. Collection method: clinical testing. Allele origin: germline. Inheritance: Autosomal dominant inheritance. Not counted in ClinVar's aggregate classification.
Comment: Based on the classification scheme VCGS_Germline_v1.3.4, this variant is classified as Pathogenic. Following criteria are met: 0101 - Gain of function is a known mechanism of disease in this gene and is associated with NRAS-related conditions (OMIM). (I) 0115 - Variants in this gene are known to have variable expressivity. Noonan syndrome, caused by germline variants in the NRAS gene, have variable expressivity (GeneReviews). (I) 0200 - Variant is predicted to result in a missense amino acid change from glycine to serine. (I) 0251 - This variant is heterozygous. (I) 0107 - This gene is associated with autosomal dominant disease. (I) 0301 - Variant is absent from gnomAD (both v2 and v3). (SP) 0309 - An alternative amino acid change at the same position has been observed in gnomAD (v2 & v3) (3 heterozygotes, 0 homozygotes). (I) 0502 - Missense variant with conflicting in silico predictions and uninformative conservation. (I) 0600 - Variant is located in the annotated Ras domain (DECIPHER). (I) 0702 - Other missense variants comparable to the one identified in this case have strong previous evidence for pathogenicity. Changes to cysteine, aspartic acid and arginine have been identified in individuals with germline or somatic conditions related to the NRAS gene (ClinVar), including individuals with juvenile myelomonocytic leukemia (PMID: 19047918). (SP) 0801 - This variant has strong previous evidence of pathogenicity in unrelated individuals with germline or somatic conditions related to the NRAS gene. Of note, it has been reported in individuals with juvenile myelomonocytic leukemia (ClinVar, PMID: 19047918). (SP) Legend: (SP) - Supporting pathogenic, (I) - Information, (SB) - Supporting benign

GeneDx
Classification: Pathogenic. Last evaluated: 2022-02-03. Review status: criteria provided, single submitter. Criteria: GeneDx Variant Classification Process June 2021. Collection method: clinical testing. Allele origin: germline. Affected: yes. Not counted in ClinVar's aggregate classification.
Comment: Not observed at significant frequency in large population cohorts (gnomAD); Missense variants in this gene are often considered pathogenic (HGMD); In silico analysis supports that this missense variant has a deleterious effect on protein structure/function; This variant is associated with the following publications: (PMID: 24803665, 25691160, 16518851, 19047918, 19966803, 23334668, 28098151, 28594414, 26918529, 29146900)

Genome Diagnostics Laboratory, The Hospital for Sick Children
Classification: Pathogenic for Noonan syndrome and Noonan-related syndrome. Last evaluated: 2018-11-01. Review status: criteria provided, single submitter. Criteria: ACMG Guidelines, 2015. Collection method: clinical testing. Allele origin: germline. Affected: yes. Not counted in ClinVar's aggregate classification.

Juno Genomics, Hangzhou Juno Genomics, Inc
Classification: Pathogenic for Noonan syndrome 6. Review status: criteria provided, single submitter. Criteria: ACMG Guidelines, 2015. Collection method: clinical testing. Allele origin: germline. Affected: yes. Not counted in ClinVar's aggregate classification.
Comment: Located in a mutational hot spot and/or critical and well-established functional domain (e.g. active site of an enzyme) without benign variation.;Novel missense change at an amino acid residue where a different missense change determined to be pathogenic has been seen before.;The prevalence of the variant in affected individuals is significantly increased compared to the prevalence in controls.;Assumed de novo, but without confirmation of paternity and maternity.

Laboratory for Molecular Medicine, Mass General Brigham Personalized Medicine
Classification: Pathogenic for Noonan syndrome; Juvenile myelomonocytic leukemia. Last evaluated: 2013-12-02. Review status: no assertion criteria provided. Collection method: clinical testing. Allele origin: germline. Inheritance: Autosomal dominant inheritance. Observed: 2 variant alleles. Not counted in ClinVar's aggregate classification.
Comment: In addition, this variant has been reported in 3 other individuals with JMML (Yoshida 2009), and was not identified in large population studies. Functional studies have show n the Gly12Ser variant causes constitutive NRAS signaling in the absence of grow th factor (Cirstea 2010). Computational analyses (biochemical amino acid propert ies, conservation, AlignGVGD, PolyPhen2, and SIFT) suggest that the Gly12Ser var iant may impact the protein, though this information is not predictive enough to determine pathogenicity. Other variants at the Gly12 residue in RAS genes (NRAS , KRAS, HRAS) have been associated with multiple cancers, highlighting the impor tance of this position in cell signaling (Schubbert 2007). While this variant ha s not been identified in individuals with classic features of Noonan syndrome, i t is likely due to the severe impact of the variant. In summary, this variant me ets our criteria for pathogenicity for JMML and Noonan-spectrum disorders.

Literature cited by the submitters: PubMed 28098151 (cited by 3 submitters); PubMed 28594414 (cited by 3 submitters); PubMed 19966803 (cited by Labcorp Genetics (formerly Invitae), Labcorp and Laboratory for Molecular Medicine, Mass General Brigham Personalized Medicine); PubMed 21263000 (cited by Labcorp Genetics (formerly Invitae), Labcorp); PubMed 17823240 (cited by 3 submitters); PubMed 24224811 (cited by Center for Genomic Medicine, Rigshospitalet, Copenhagen University Hospital); PubMed 21850009 (cited by Center for Genomic Medicine, Rigshospitalet, Copenhagen University Hospital); PubMed 6330729 (cited by Center for Genomic Medicine, Rigshospitalet, Copenhagen University Hospital); PubMed 26980726 (cited by Women's Health and Genetics/Laboratory Corporation of America, LabCorp); PubMed 27121720 (cited by Women's Health and Genetics/Laboratory Corporation of America, LabCorp); PubMed 24806883 (cited by Women's Health and Genetics/Laboratory Corporation of America, LabCorp); PubMed 17671181 (cited by Women's Health and Genetics/Laboratory Corporation of America, LabCorp); PubMed 23325582 (cited by Women's Health and Genetics/Laboratory Corporation of America, LabCorp); PubMed 22220252 (cited by Women's Health and Genetics/Laboratory Corporation of America, LabCorp); PubMed 16434492 (cited by Women's Health and Genetics/Laboratory Corporation of America, LabCorp); PubMed 23708912 (cited by Women's Health and Genetics/Laboratory Corporation of America, LabCorp); PubMed 29692343 (cited by Women's Health and Genetics/Laboratory Corporation of America, LabCorp); PubMed 27276561 (cited by Women's Health and Genetics/Laboratory Corporation of America, LabCorp); PubMed 27069254 (cited by Women's Health and Genetics/Laboratory Corporation of America, LabCorp); PubMed 19047918 (cited by Victorian Clinical Genetics Services, Murdoch Childrens Research Institute and Laboratory for Molecular Medicine, Mass General Brigham Personalized Medicine); PubMed 16518851 (cited by Laboratory for Molecular Medicine, Mass General Brigham Personalized Medicine); PubMed 10598665 (cited by Laboratory for Molecular Medicine, Mass General Brigham Personalized Medicine); PubMed 17384584 (cited by Laboratory for Molecular Medicine, Mass General Brigham Personalized Medicine).